The following is an entry in ClinVar:

ClinVar aggregate classification (germline): Uncertain significance. Review status: criteria provided, multiple submitters, no conflicts (2 of 4 stars). 2 submissions from 2 submitters: Uncertain significance (2). Last evaluated 2024-06-10.

Conditions:
Dyskeratosis congenita, autosomal recessive 6 (DKCB6). Identifiers: MedGen C4225356, MONDO:0014600, OMIM 616353.
Pulmonary fibrosis and/or bone marrow failure, Telomere-related, 4. Also called: PULMONARY FIBROSIS AND/OR BONE MARROW FAILURE SYNDROME, TELOMERE-RELATED, 4. Identifiers: Orphanet 2032, MedGen C4225347, MONDO:0014612, OMIM 616371.

Allele frequency attached by ClinVar (database versions not stated): ExAC 0.00001.
gnomAD v4.1: 8 of 1,603,042 alleles (0.0005%); highest among the groups gnomAD compares: African/African-American, 0.011%; no homozygotes.

Submissions (2):

Blueprint Genetics
Classification: Uncertain significance. Last evaluated: 2024-06-10. Review status: criteria provided, single submitter. Criteria: ACMG Guidelines, 2015. Collection method: clinical testing. Allele origin: germline.

Labcorp Genetics (formerly Invitae), Labcorp
Classification: Uncertain significance for Dyskeratosis congenita, autosomal recessive 6; Pulmonary fibrosis and/or bone marrow failure, Telomere-related, 4. Last evaluated: 2022-05-03. Review status: criteria provided, single submitter. Criteria: Invitae Variant Classification Sherloc (09022015). Collection method: clinical testing. Allele origin: germline.
Comment: In summary, the available evidence is currently insufficient to determine the role of this variant in disease. Therefore, it has been classified as a Variant of Uncertain Significance. Algorithms developed to predict the effect of missense changes on protein structure and function are either unavailable or do not agree on the potential impact of this missense change (SIFT: "Deleterious"; PolyPhen-2: "Benign"; Align-GVGD: "Class C0"). This variant has not been reported in the literature in individuals affected with PARN-related conditions. This variant is present in population databases (rs764385694, gnomAD 0.008%). This sequence change replaces histidine, which is basic and polar, with aspartic acid, which is acidic and polar, at codon 275 of the PARN protein (p.His275Asp).

NM_002582.4(PARN):c.823C>G (p.His275Asp)

Gene: PARN (poly(A)-specific ribonuclease; minus strand). Cytogenetic location: 16p13.12.
Variant type: single nucleotide variant.
Coding change: c.823C>G on transcript NM_002582.4 (MANE Select); coding-DNA position 823, C replaced by G.
Protein change: p.His275Asp; replaces histidine 275 with aspartic acid.
Molecular consequence: missense variant.
Genome position (GRCh38, 1-based): chr16:14,599,921, G>C on the plus strand (C>G on the coding strand, the complement: PARN is on the minus strand). VCF-style: chr16-14599921-G-C. GRCh37 (hg19) VCF-style: chr16-14693778-G-C.
Other names: c.640C>G, p.His214Asp (NM_001134477.3); c.685C>G, p.His229Asp (NM_001242992.2); short protein forms H214D, H229D, H275D.
Identifiers: ClinVar variation 2417135 (VCV002417135.11), dbSNP rs764385694, ClinGen allele CA7912282.